The following is an entry in ClinVar:

ClinVar aggregate classification (germline): Uncertain significance. Review status: criteria provided, single submitter (1 of 4 stars). 2 submissions from 2 submitters: Uncertain significance (1). 1 of the submissions does not count toward it. Last evaluated 2022-07-11.

Conditions:
Lysinuric protein intolerance (LPI). Identifiers: Orphanet 470, MedGen C0268647, MONDO:0009109, OMIM 222700.

Submissions (2):

Labcorp Genetics (formerly Invitae), Labcorp
Classification: Uncertain significance for Lysinuric protein intolerance. Last evaluated: 2022-07-11. Review status: criteria provided, single submitter. Criteria: Invitae Variant Classification Sherloc (09022015). Collection method: clinical testing. Allele origin: germline.
Comment: This variant is not present in population databases (gnomAD no frequency). In summary, the available evidence is currently insufficient to determine the role of this variant in disease. Therefore, it has been classified as a Variant of Uncertain Significance. Algorithms developed to predict the effect of missense changes on protein structure and function (SIFT, PolyPhen-2, Align-GVGD) all suggest that this variant is likely to be tolerated. ClinVar contains an entry for this variant (Variation ID: 971879). This variant has not been reported in the literature in individuals affected with SLC7A7-related conditions. This sequence change replaces alanine, which is neutral and non-polar, with glycine, which is neutral and non-polar, at codon 479 of the SLC7A7 protein (p.Ala479Gly).

Natera, Inc.
Classification: Uncertain significance for Lysinuric protein intolerance. Last evaluated: 2020-03-24. Review status: no assertion criteria provided. Collection method: clinical testing. Allele origin: germline. Not counted in ClinVar's aggregate classification.

NM_003982.4(SLC7A7):c.1436C>G (p.Ala479Gly)

Gene: SLC7A7 (solute carrier family 7 member 7; minus strand). Cytogenetic location: 14q11.2.
Variant type: single nucleotide variant.
Coding change: c.1436C>G on transcript NM_003982.4 (MANE Select); coding-DNA position 1436, C replaced by G.
Protein change: p.Ala479Gly; replaces alanine 479 with glycine.
Molecular consequence: missense variant.
Genome position (GRCh38, 1-based): chr14:22,773,710, G>C on the plus strand (C>G on the coding strand, the complement: SLC7A7 is on the minus strand). VCF-style: chr14-22773710-G-C. GRCh37 (hg19) VCF-style: chr14-23242919-G-C.
Other names: c.1436C>G, p.Ala479Gly (NM_001126105.3, NM_001126106.4); short protein forms A479G.
Identifiers: ClinVar variation 971879 (VCV000971879.12), dbSNP rs757095799, ClinGen allele CA388921043.